The following is an entry in ClinVar:

ClinVar aggregate classification (germline): Uncertain significance. Review status: criteria provided, multiple submitters, no conflicts (2 of 4 stars). 2 submissions from 2 submitters: Uncertain significance (2). Last evaluated 2023-08-02.

Conditions:
Inborn genetic diseases. Identifiers: MedGen C0950123, MeSH D030342.

Allele frequency attached by ClinVar (database versions not stated): TOPMed 0.00003; gnomAD 0.00005.
gnomAD v4.1: 23 of 1,613,036 alleles (0.0014%); highest among the groups gnomAD compares: African/African-American, 0.011%; no homozygotes.

Submissions (2):

Ambry Genetics
Classification: Uncertain significance for Inborn genetic diseases. Last evaluated: 2023-08-02. Review status: criteria provided, single submitter. Criteria: Ambry Variant Classification Scheme 2023. Collection method: clinical testing. Allele origin: germline.

GeneDx
Classification: Uncertain significance. Last evaluated: 2022-12-29. Review status: criteria provided, single submitter. Criteria: GeneDx Variant Classification Process June 2021. Collection method: clinical testing. Allele origin: germline. Affected: yes.
Comment: Not observed at significant frequency in large population cohorts (gnomAD); In silico analysis supports that this missense variant has a deleterious effect on protein structure/function; Has not been previously published as pathogenic or benign to our knowledge

NM_001377.3(DYNC2H1):c.1516C>T (p.Leu506Phe)

Gene: DYNC2H1 (dynein cytoplasmic 2 heavy chain 1; plus strand). Cytogenetic location: 11q22.3.
Variant type: single nucleotide variant.
Coding change: c.1516C>T on transcript NM_001377.3 (MANE Select); coding-DNA position 1516, C replaced by T.
Protein change: p.Leu506Phe; replaces leucine 506 with phenylalanine.
Molecular consequence: missense variant.
Genome position (GRCh38, 1-based): chr11:103,122,855, C>T. VCF-style: chr11-103122855-C-T. GRCh37 (hg19) VCF-style: chr11-102993584-C-T.
Other names: c.1516C>T, p.Leu506Phe (NM_001080463.2); short protein forms L506F.
Identifiers: ClinVar variation 2507295 (VCV002507295.3), dbSNP rs576789827, ClinGen allele CA227401987.
Genomic context (GRCh38, chr11:103,122,855, plus strand): 5'-ATGCACATGTCTGTAATTTGGCTTTTTAAGGTAGATGATACTATCAAGATTGCAGAGGCT[C>T]TTTTATCTGACTTGCCAGGATTTCGATGTTTCCATCAAAGTGCCAAAGATCTCTTAGACC-3'
Protein context (NP_001368.2, residues 496-516): VDDTIKIAEA[Leu506Phe]LSDLPGFRCF